The following is an entry in ClinVar:

NM_198129.4(LAMA3):c.1117C>T (p.Arg373Trp)

Gene: LAMA3 (laminin subunit alpha 3; plus strand). Cytogenetic location: 18q11.2.
Variant type: single nucleotide variant.
Coding change: c.1117C>T on transcript NM_198129.4 (MANE Select); coding-DNA position 1117, C replaced by T.
Protein change: p.Arg373Trp; replaces arginine 373 with tryptophan.
Molecular consequence: missense variant. On other transcripts: non-coding transcript variant (1).
Genome position (GRCh38, 1-based): chr18:23,763,458, C>T. VCF-style: chr18-23763458-C-T. GRCh37 (hg19) VCF-style: chr18-21343422-C-T.
Other names: c.1117C>T, p.Arg373Trp (NM_001127717.4, NM_001302996.2); short protein forms R373W.
Identifiers: ClinVar variation 2634412 (VCV002634412.2), dbSNP rs191816194, ClinGen allele CA8914476.

ClinVar aggregate classification (germline): Uncertain significance. Review status: criteria provided, multiple submitters, no conflicts (2 of 4 stars). 2 submissions from 2 submitters: Uncertain significance (2). Last evaluated 2023-08-01.

Conditions:
LAMA3-related disorder. Also called: LAMA3-related disorders; LAMA3-related condition.

Allele frequency attached by ClinVar (database versions not stated): ExAC 0.00002; TOPMed 0.00002; 1000 Genomes Project 0.00020; 1000 Genomes Project 30x 0.00031.
gnomAD v4.1: 116 of 1,613,838 alleles (0.0072%); highest among the groups gnomAD compares: South Asian, 0.011%; no homozygotes.

Submissions (2):

PreventionGenetics, part of Exact Sciences
Classification: Uncertain significance for LAMA3-related condition. Last evaluated: 2023-08-01. Review status: criteria provided, single submitter. Criteria: ACMG Guidelines, 2015. Collection method: clinical testing. Allele origin: germline.
Comment: The LAMA3 c.1117C>T variant is predicted to result in the amino acid substitution p.Arg373Trp. This variant corresponds to a pre-coding position in the primary transcript for this gene (NM_000227.4:c.-109587C>T). To our knowledge, this variant has not been reported in the literature. This variant is reported in 0.0098% of alleles in individuals of South Asian descent in gnomAD. At this time, the clinical significance of this variant is uncertain due to the absence of conclusive functional and genetic evidence.

Blueprint Genetics
Classification: Uncertain significance. Last evaluated: 2019-01-03. Review status: criteria provided, single submitter. Criteria: ACMG Guidelines, 2015. Collection method: clinical testing. Allele origin: germline.